The following is an entry in ClinVar:

NM_005006.7(NDUFS1):c.222C>A (p.Asn74Lys)

Gene: NDUFS1 (NADH:ubiquinone oxidoreductase core subunit S1; minus strand). Cytogenetic location: 2q33.3.
Variant type: single nucleotide variant.
Coding change: c.222C>A on transcript NM_005006.7 (MANE Select); coding-DNA position 222, C replaced by A.
Protein change: p.Asn74Lys; replaces asparagine 74 with lysine.
Molecular consequence: missense variant. On other transcripts: intron variant (2).
Genome position (GRCh38, 1-based): chr2:206,149,857, G>T on the plus strand (C>A on the coding strand, the complement: NDUFS1 is on the minus strand). VCF-style: chr2-206149857-G-T. GRCh37 (hg19) VCF-style: chr2-207014581-G-T.
Other names: c.51C>A, p.Asn17Lys (NM_001199983.2); c.264C>A, p.Asn88Lys (NM_001199984.2); c.6-2023C>A (NM_001199982.2); c.154-761C>A (NM_001199981.2); short protein forms N17K, N74K, N88K.
Identifiers: ClinVar variation 3252300 (VCV003252300.1), dbSNP rs1692299553.

ClinVar aggregate classification (germline): Uncertain significance (1 of 4 stars; one submission).

Allele frequency attached by ClinVar (database versions not stated): gnomAD exomes 0.00001.
gnomAD v4.1: 10 of 1,589,884 alleles (0.00063%); highest among the groups gnomAD compares: Non-Finnish European, 0.00086%; no homozygotes.

Submission:

GeneDx
Classification: Uncertain significance. Last evaluated: 2023-06-13. Review status: criteria provided, single submitter. Criteria: GeneDx Variant Classification Process June 2021. Collection method: clinical testing. Allele origin: germline. Affected: yes.
Comment: Not observed at significant frequency in large population cohorts (gnomAD); In silico analysis supports that this missense variant has a deleterious effect on protein structure/function; Has not been previously published as pathogenic or benign to our knowledge